The following is an entry in ClinVar:

NM_001458.5(FLNC):c.2255G>A (p.Ser752Asn)

Gene: FLNC (filamin C; plus strand). Cytogenetic location: 7q32.1.
Variant type: single nucleotide variant.
Coding change: c.2255G>A on transcript NM_001458.5 (MANE Select); coding-DNA position 2255, G replaced by A.
Protein change: p.Ser752Asn; replaces serine 752 with asparagine.
Molecular consequence: missense variant.
Genome position (GRCh38, 1-based): chr7:128,842,364, G>A. VCF-style: chr7-128842364-G-A. GRCh37 (hg19) VCF-style: chr7-128482418-G-A.
Other names: c.2255G>A, p.Ser752Asn (NM_001127487.2); short protein forms S752N.
Identifiers: ClinVar variation 1713693 (VCV001713693.6), dbSNP rs780633903, ClinGen allele CA166217833.
Genomic context (GRCh38, chr7:128,842,364, plus strand): 5'-CCACCAAGCCCATTAAGCACACCATCATCATCTCCTGGGGAGGCGTAAACGTGCCCAAGA[G>A]CCCCTTCCGGGTGCGTCCTCCCGGCCTGCCCCGTGCCCACCACCAGGGGTCCCTGAGGGA-3'
Protein context (NP_001449.3, residues 742-762): ISWGGVNVPK[Ser752Asn]PFRVNVGEGS

ClinVar aggregate classification (germline): Uncertain significance (1 of 4 stars; one submission).

Conditions:
Myofibrillar myopathy 5. Also called: Filaminopathy (type); FILAMINOPATHY, AUTOSOMAL DOMINANT. Identifiers: Orphanet 171445, MedGen C1836050, MONDO:0012289, OMIM 609524.
Distal myopathy with posterior leg and anterior hand involvement. Also called: WILLIAMS DISTAL MYOPATHY. Identifiers: Orphanet 63273, MedGen C3279722, MONDO:0013550, OMIM 614065.
Hypertrophic cardiomyopathy 26. Also called: Cardiomyopathy, familial hypertrophic, 26. Identifiers: Orphanet 75249, MedGen C4310749, MONDO:0014883, OMIM 617047.

Allele frequency attached by ClinVar (database versions not stated): TOPMed below 0.00001.

Submission:

Labcorp Genetics (formerly Invitae), Labcorp
Classification: Uncertain significance for Distal myopathy with posterior leg and anterior hand involvement; Myofibrillar myopathy 5; Hypertrophic cardiomyopathy 26. Last evaluated: 2022-07-24. Review status: criteria provided, single submitter. Criteria: Invitae Variant Classification Sherloc (09022015). Collection method: clinical testing. Allele origin: germline.
Comment: In summary, the available evidence is currently insufficient to determine the role of this variant in disease. Therefore, it has been classified as a Variant of Uncertain Significance. Algorithms developed to predict the effect of missense changes on protein structure and function are either unavailable or do not agree on the potential impact of this missense change (SIFT: "Deleterious"; PolyPhen-2: "Probably Damaging"; Align-GVGD: "Class C0"). This variant has not been reported in the literature in individuals affected with FLNC-related conditions. This variant is not present in population databases (gnomAD no frequency). This sequence change replaces serine, which is neutral and polar, with asparagine, which is neutral and polar, at codon 752 of the FLNC protein (p.Ser752Asn).